The following is an entry in ClinVar:

NM_031935.3(HMCN1):c.609A>T (p.Lys203Asn)

Gene: HMCN1 (hemicentin 1; plus strand). Cytogenetic location: 1q31.1.
Variant type: single nucleotide variant.
Coding change: c.609A>T on transcript NM_031935.3 (MANE Select); coding-DNA position 609, A replaced by T.
Protein change: p.Lys203Asn; replaces lysine 203 with asparagine.
Molecular consequence: missense variant.
Genome position (GRCh38, 1-based): chr1:185,865,851, A>T. VCF-style: chr1-185865851-A-T. GRCh37 (hg19) VCF-style: chr1-185834983-A-T.
Other names: short protein forms K203N.
Identifiers: ClinVar variation 4780904 (VCV004780904.1).

ClinVar aggregate classification (germline): Uncertain significance (1 of 4 stars; one submission).

gnomAD v4.1: 7 of 1,613,648 alleles (0.00043%); highest among the groups gnomAD compares: Admixed American, 0.0033%; no homozygotes.

Submission:

Labcorp Genetics (formerly Invitae), Labcorp
Classification: Uncertain significance. Last evaluated: 2025-12-16. Review status: criteria provided, single submitter. Criteria: Invitae Variant Classification Sherloc (09022015). Collection method: clinical testing. Allele origin: germline.
Comment: This sequence change replaces lysine, which is basic and polar, with asparagine, which is neutral and polar, at codon 203 of the HMCN1 protein (p.Lys203Asn). This variant is present in population databases (no rsID available, gnomAD 0.006%). This variant has not been reported in the literature in individuals affected with HMCN1-related conditions. An algorithm developed to predict the effect of missense changes on protein structure and function (PolyPhen-2) suggests that this variant is likely to be disruptive. In summary, the available evidence is currently insufficient to determine the role of this variant in disease. Therefore, it has been classified as a Variant of Uncertain Significance.